The following is an entry in ClinVar:

ClinVar aggregate classification (germline): Uncertain significance (1 of 4 stars; one submission).

Conditions:
Hereditary spastic paraplegia 28. Also called: Spastic paraplegia 28, autosomal recessive. Identifiers: Orphanet 101008, MedGen C1836295, MONDO:0012256, OMIM 609340.

Allele frequency attached by ClinVar (database versions not stated): ExAC 0.00001; gnomAD exomes 0.00001.
gnomAD v4.1: 4 of 1,613,486 alleles (0.00025%); highest among the groups gnomAD compares: East Asian, 0.0067%; no homozygotes.

Submission:

Labcorp Genetics (formerly Invitae), Labcorp
Classification: Uncertain significance for Hereditary spastic paraplegia 28. Last evaluated: 2022-07-10. Review status: criteria provided, single submitter. Criteria: Invitae Variant Classification Sherloc (09022015). Collection method: clinical testing. Allele origin: germline.
Comment: In summary, the available evidence is currently insufficient to determine the role of this variant in disease. Therefore, it has been classified as a Variant of Uncertain Significance. Algorithms developed to predict the effect of missense changes on protein structure and function are either unavailable or do not agree on the potential impact of this missense change (SIFT: "Deleterious"; PolyPhen-2: "Possibly Damaging"; Align-GVGD: "Class C0"). This variant has not been reported in the literature in individuals affected with DDHD1-related conditions. This variant is present in population databases (rs772959138, gnomAD 0.01%). This sequence change replaces isoleucine, which is neutral and non-polar, with methionine, which is neutral and non-polar, at codon 190 of the DDHD1 protein (p.Ile190Met).

NM_001160148.2(DDHD1):c.570C>G (p.Ile190Met)

Gene: DDHD1 (DDHD domain containing 1; minus strand). Cytogenetic location: 14q22.1.
Variant type: single nucleotide variant.
Coding change: c.570C>G on transcript NM_001160148.2 (MANE Select); coding-DNA position 570, C replaced by G.
Protein change: p.Ile190Met; replaces isoleucine 190 with methionine.
Molecular consequence: missense variant.
Genome position (GRCh38, 1-based): chr14:53,152,529, G>C on the plus strand (C>G on the coding strand, the complement: DDHD1 is on the minus strand). VCF-style: chr14-53152529-G-C. GRCh37 (hg19) VCF-style: chr14-53619247-G-C.
Other names: c.570C>G, p.Ile190Met (NM_001160147.2, NM_030637.3); short protein forms I190M.
Identifiers: ClinVar variation 2129336 (VCV002129336.4), dbSNP rs772959138, ClinGen allele CA7191463.